The following is an entry in ClinVar:

NM_001111.5(ADAR):c.2963A>G (p.His988Arg)

Gene: ADAR (adenosine deaminase RNA specific; minus strand). Cytogenetic location: 1q21.3.
Variant type: single nucleotide variant.
Coding change: c.2963A>G on transcript NM_001111.5 (MANE Select); coding-DNA position 2963, A replaced by G.
Protein change: p.His988Arg; replaces histidine 988 with arginine.
Molecular consequence: missense variant.
Genome position (GRCh38, 1-based): chr1:154,588,181, T>C on the plus strand (A>G on the coding strand, the complement: ADAR is on the minus strand). VCF-style: chr1-154588181-T-C. GRCh37 (hg19) VCF-style: chr1-154560657-T-C.
Other names: c.2078A>G, p.His693Arg (NM_001025107.3, NM_001193495.2, NM_001365046.1 and 2 more transcripts); c.2990A>G, p.His997Arg (NM_001365045.1); c.2000A>G, p.His667Arg (NM_001365049.1); c.2885A>G, p.His962Arg (NM_015840.4); c.2828A>G, p.His943Arg (NM_015841.4); short protein forms H667R, H693R, H943R, H962R, H988R, H997R.
Identifiers: ClinVar variation 1720859 (VCV001720859.5), dbSNP rs139690565, ClinGen allele CA30851414.

ClinVar aggregate classification (germline): Uncertain significance (1 of 4 stars; one submission).

Conditions:
Aicardi-Goutieres syndrome 6 (AGS6). Identifiers: Orphanet 51, MedGen C3539013, MONDO:0014007, OMIM 615010.
Symmetrical dyschromatosis of extremities (DSH). Also called: RETICULATE ACROPIGMENTATION OF DOHI; SYMMETRIC DYSCHROMATOSIS OF THE EXTREMITIES; Dyschromatosis symmetrica hereditaria; DYSCHROMATOSIS SYMMETRICA HEREDITARIA 1. Identifiers: Orphanet 41, MedGen C0406775, MONDO:0007483, OMIM 127400.

Allele frequency attached by ClinVar (database versions not stated): ESP Exome Variant Server 0.00008.

Submission:

Labcorp Genetics (formerly Invitae), Labcorp
Classification: Uncertain significance for Aicardi-Goutieres syndrome 6; Symmetrical dyschromatosis of extremities. Last evaluated: 2022-10-18. Review status: criteria provided, single submitter. Criteria: Invitae Variant Classification Sherloc (09022015). Collection method: clinical testing. Allele origin: germline.
Comment: This variant is not present in population databases (gnomAD no frequency). This sequence change replaces histidine, which is basic and polar, with arginine, which is basic and polar, at codon 988 of the ADAR protein (p.His988Arg). This variant has not been reported in the literature in individuals affected with ADAR-related conditions. In summary, the available evidence is currently insufficient to determine the role of this variant in disease. Therefore, it has been classified as a Variant of Uncertain Significance. Advanced modeling of protein sequence and biophysical properties (such as structural, functional, and spatial information, amino acid conservation, physicochemical variation, residue mobility, and thermodynamic stability) has been performed at Invitae for this missense variant, however the output from this modeling did not meet the statistical confidence thresholds required to predict the impact of this variant on ADAR protein function.